The following is an entry in ClinVar:

ClinVar aggregate classification (germline): Uncertain significance (1 of 4 stars; one submission).

Submission:

Labcorp Genetics (formerly Invitae), Labcorp
Classification: Uncertain significance. Last evaluated: 2023-01-25. Review status: criteria provided, single submitter. Criteria: Invitae Variant Classification Sherloc (09022015). Collection method: clinical testing. Allele origin: germline.
Comment: In summary, the available evidence is currently insufficient to determine the role of this variant in disease. Therefore, it has been classified as a Variant of Uncertain Significance. Advanced modeling of protein sequence and biophysical properties (such as structural, functional, and spatial information, amino acid conservation, physicochemical variation, residue mobility, and thermodynamic stability) performed at Invitae indicates that this missense variant is not expected to disrupt KAT6A protein function. This variant has not been reported in the literature in individuals affected with KAT6A-related conditions. This variant is not present in population databases (gnomAD no frequency). This sequence change replaces glutamic acid, which is acidic and polar, with glutamine, which is neutral and polar, at codon 1339 of the KAT6A protein (p.Glu1339Gln).

NM_006766.5(KAT6A):c.4015G>C (p.Glu1339Gln)

Gene: KAT6A (lysine acetyltransferase 6A; minus strand). Cytogenetic location: 8p11.21.
Variant type: single nucleotide variant.
Coding change: c.4015G>C on transcript NM_006766.5 (MANE Select); coding-DNA position 4015, G replaced by C.
Protein change: p.Glu1339Gln; replaces glutamic acid 1339 with glutamine.
Molecular consequence: missense variant.
Genome position (GRCh38, 1-based): chr8:41,934,205, C>G on the plus strand (G>C on the coding strand, the complement: KAT6A is on the minus strand). VCF-style: chr8-41934205-C-G. GRCh37 (hg19) VCF-style: chr8-41791723-C-G.
Other names: short protein forms E1339Q.
Identifiers: ClinVar variation 2830169 (VCV002830169.3), dbSNP rs2486756671, ClinGen allele CA371067229.